The following is an entry in ClinVar:

NM_005228.5(EGFR):c.2184+4A>G

Gene: EGFR (epidermal growth factor receptor; plus strand). Cytogenetic location: 7p11.2.
Variant type: single nucleotide variant.
Coding change: c.2184+4A>G on transcript NM_005228.5 (MANE Select); 4 bases into the intron after coding-DNA position 2184, A replaced by G.
Molecular consequence: intron variant.
Genome position (GRCh38, 1-based): chr7:55,174,047, A>G. VCF-style: chr7-55174047-A-G. GRCh37 (hg19) VCF-style: chr7-55241740-A-G.
Other names: c.2184+4A>G (NM_005228.3, NM_001346898.2); c.2049+4A>G (NM_001346899.2, NM_001346897.2); c.1383+4A>G (NM_001346941.2); c.2025+4A>G (NM_001346900.2).
Identifiers: ClinVar variation 1506901 (VCV001506901.7), dbSNP rs2128953792, ClinGen allele CA2573142262.
Genomic context (GRCh38, chr7:55,174,047, plus strand): 5'-ACTGAATTCAAAAAGATCAAAGTGCTGGGCTCCGGTGCGTTCGGCACGGTGTATAAGGTA[A>G]GGTCCCTGGCACAGGCCTCTGGGCTGGGCCGCAGGGCCTCTCATGGTCTGGTGGGGAGCC-3'

ClinVar aggregate classification (germline): Uncertain significance. Review status: criteria provided, multiple submitters, no conflicts (2 of 4 stars). 2 submissions from 2 submitters: Uncertain significance (2). Last evaluated 2025-08-28.

Conditions:
Hereditary cancer-predisposing syndrome. Also called: Hereditary neoplastic syndrome; Neoplastic Syndromes, Hereditary; Tumor predisposition; Hereditary Cancer Syndrome. Identifiers: Orphanet 140162, MedGen C0027672, MeSH D009386, MONDO:0015356.
EGFR-related lung cancer (EGFR). Identifiers: MedGen CN130014.

Allele frequency attached by ClinVar (database versions not stated): gnomAD exomes below 0.00001.
gnomAD v4.1: 1 of 1,614,198 alleles (0.000062%); highest among the groups gnomAD compares: Admixed American, 0.0017%; no homozygotes.

Submissions (2):

Ambry Genetics
Classification: Uncertain significance for Hereditary cancer-predisposing syndrome. Last evaluated: 2025-08-28. Review status: criteria provided, single submitter. Criteria: Ambry Variant Classification Scheme 2023. Collection method: clinical testing. Allele origin: germline.
Comment: The c.2184+4A>G intronic variant results from an A to G substitution 4 nucleotides after coding exon 18 in the EGFR gene. This nucleotide position is well conserved in available vertebrate species. In silico splice site analysis for this alteration is inconclusive. Based on the available evidence, the clinical significance of this variant remains unclear.

Labcorp Genetics (formerly Invitae), Labcorp
Classification: Uncertain significance for EGFR-related lung cancer. Last evaluated: 2021-05-20. Review status: criteria provided, single submitter. Criteria: Invitae Variant Classification Sherloc (09022015). Collection method: clinical testing. Allele origin: germline.
Comment: In summary, the available evidence is currently insufficient to determine the role of this variant in disease. Therefore, it has been classified as a Variant of Uncertain Significance. Nucleotide substitutions within the consensus splice site are a relatively common cause of aberrant splicing (PMID: 17576681, 9536098). Algorithms developed to predict the effect of sequence changes on RNA splicing suggest that this variant may disrupt the consensus splice site, but this prediction has not been confirmed by published transcriptional studies. This variant has not been reported in the literature in individuals with EGFR-related conditions. This variant is not present in population databases (ExAC no frequency). This sequence change falls in intron 18 of the EGFR gene. It does not directly change the encoded amino acid sequence of the EGFR protein. It affects a nucleotide within the consensus splice site of the intron.

Literature cited by the submitters: PubMed 17576681 (cited by Labcorp Genetics (formerly Invitae), Labcorp); PubMed 9536098 (cited by Labcorp Genetics (formerly Invitae), Labcorp).